The following is an entry in ClinVar:

ClinVar aggregate classification (germline): Benign/Likely benign. Review status: criteria provided, multiple submitters, no conflicts (2 of 4 stars). 3 submissions from 3 submitters: Benign (1); Likely benign (1). 1 of the submissions does not count toward it. Last evaluated 2025-05-07.

Conditions:
CACNA1H-related disorder.
Idiopathic generalized epilepsy. Also called: EIG; Generalised epilepsy. Identifiers: MedGen C0270850, MONDO:0005579, OMIM 600669.
Hyperaldosteronism, familial, type IV (HALD4). Also called: FH IV; ALDOSTERONISM, PRIMARY, AND HYPERTENSION. Identifiers: Orphanet 642671, MedGen C4310756, MONDO:0014875, OMIM 617027.

Allele frequency attached by ClinVar (database versions not stated): TOPMed 0.00002; gnomAD exomes 0.00004; gnomAD 0.00007; ExAC 0.00008.
gnomAD v4.1: 68 of 1,605,760 alleles (0.0042%); highest among the groups gnomAD compares: Non-Finnish European, 0.00026%; no homozygotes.

Submissions (3):

Labcorp Genetics (formerly Invitae), Labcorp
Classification: Benign for Idiopathic generalized epilepsy; Hyperaldosteronism, familial, type IV. Last evaluated: 2025-05-07. Review status: criteria provided, single submitter. Criteria: Invitae Variant Classification Sherloc (09022015). Collection method: clinical testing. Allele origin: germline.

Blueprint Genetics
Classification: Likely benign. Last evaluated: 2024-06-07. Review status: criteria provided, single submitter. Criteria: ACMG Guidelines, 2015. Collection method: clinical testing. Allele origin: germline.

PreventionGenetics, part of Exact Sciences
Classification: Likely benign for CACNA1H-related condition. Last evaluated: 2022-06-09. Review status: no assertion criteria provided. Collection method: clinical testing. Allele origin: germline. Not counted in ClinVar's aggregate classification.
Comment: This variant is classified as likely benign based on ACMG/AMP sequence variant interpretation guidelines (Richards et al. 2015 PMID: 25741868, with internal and published modifications).

NM_021098.3(CACNA1H):c.1239G>A (p.Leu413=)

Gene: CACNA1H (calcium voltage-gated channel subunit alpha1 H; plus strand). Cytogenetic location: 16p13.3.
Variant type: single nucleotide variant.
Coding change: c.1239G>A on transcript NM_021098.3 (MANE Select); coding-DNA position 1239, G replaced by A.
Protein change: p.Leu413=; no amino-acid change (leucine 413 retained).
Molecular consequence: synonymous variant.
Genome position (GRCh38, 1-based): chr16:1,201,689, G>A. VCF-style: chr16-1201689-G-A. GRCh37 (hg19) VCF-style: chr16-1251689-G-A.
Other names: c.1239G>A, p.Leu413= (NM_001005407.2).
Identifiers: ClinVar variation 3044088 (VCV003044088.4), dbSNP rs757659376, ClinGen allele CA7799888.